The following is an entry in ClinVar:

NM_001369.3(DNAH5):c.10634A>T (p.Asp3545Val)

Gene: DNAH5 (dynein axonemal heavy chain 5; minus strand). Cytogenetic location: 5p15.2.
Variant type: single nucleotide variant.
Coding change: c.10634A>T on transcript NM_001369.3 (MANE Select); coding-DNA position 10634, A replaced by T.
Protein change: p.Asp3545Val; replaces aspartic acid 3545 with valine.
Molecular consequence: missense variant.
Genome position (GRCh38, 1-based): chr5:13,753,471, T>A on the plus strand (A>T on the coding strand, the complement: DNAH5 is on the minus strand). VCF-style: chr5-13753471-T-A. GRCh37 (hg19) VCF-style: chr5-13753580-T-A.
Other names: short protein forms D3545V.
Identifiers: ClinVar variation 1780895 (VCV001780895.4), dbSNP rs2546615500, ClinGen allele CA359192075.

ClinVar aggregate classification (germline): Uncertain significance. Review status: criteria provided, multiple submitters, no conflicts (2 of 4 stars). 2 submissions from 2 submitters: Uncertain significance (2). Last evaluated 2025-01-24.

Conditions:
Primary ciliary dyskinesia. Also called: Ciliary dyskinesia. Identifiers: Orphanet 244, MedGen C0008780, MONDO:0016575, HP:0012265.

Allele frequency attached by ClinVar (database versions not stated): gnomAD exomes below 0.00001.
gnomAD v4.1: 2 of 1,614,118 alleles (0.00012%); highest among the groups gnomAD compares: Non-Finnish European, 0.00017%; no homozygotes.

Submissions (2):

Women's Health and Genetics/Laboratory Corporation of America, LabCorp
Classification: Uncertain significance. Last evaluated: 2025-01-24. Review status: criteria provided, single submitter. Criteria: LabCorp Variant Classification Summary - May 2015. Collection method: clinical testing. Allele origin: germline.
Comment: Variant summary: DNAH5 c.10634A>T (p.Asp3545Val) results in a non-conservative amino acid change in the encoded protein sequence. Three of five in-silico tools predict a benign effect of the variant on protein function. The variant was absent in 250818 control chromosomes. The available data on variant occurrences in the general population are insufficient to allow any conclusion about variant significance. To our knowledge, no occurrence of c.10634A>T in individuals affected with Primary ciliary dyskinesia 3 and no experimental evidence demonstrating its impact on protein function have been reported. ClinVar contains an entry for this variant (Variation ID: 1780895). Based on the evidence outlined above, the variant was classified as uncertain significance.

Ambry Genetics
Classification: Uncertain significance for Primary ciliary dyskinesia. Last evaluated: 2016-05-27. Review status: criteria provided, single submitter. Criteria: Ambry Variant Classification Scheme 2023. Collection method: clinical testing. Allele origin: germline.
Comment: The p.D3545V variant (also known as c.10634A>T), located in coding exon 63 of the DNAH5 gene, results from an A to T substitution at nucleotide position 10634. The aspartic acid at codon 3545 is replaced by valine, an amino acid with highly dissimilar properties. This variant was not reported in population based cohorts in the following databases: Database of Single Nucleotide Polymorphisms (dbSNP), NHLBI Exome Sequencing Project (ESP), and 1000 Genomes Project. In the ESP, this variant was not observed in 6503 samples (13006 alleles) with coverage at this position. This amino acid position is well conserved in available vertebrate species. In addition, this alteration is predicted to be tolerated by in silico analysis. Since supporting evidence is limited at this time, the clinical significance of this variant remains unclear.